The following is an entry in ClinVar:

ClinVar aggregate classification (germline): Pathogenic (0 of 4 stars; one submission).

Conditions:
Angelman syndrome (AS). Also called: HAPPY PUPPET SYNDROME. Identifiers: Orphanet 72, MedGen C0162635, MONDO:0007113, OMIM 105830. Disease mechanism: loss of function. Inheritance: AS is caused by disruption of maternally imprinted UBE3A located within the 15q11.2-q13 Angelman syndrome/Prader-Willi syndrome (AS/PWS) region., imprinting disorder.

Submission:

Baylor Genetics
Classification: Pathogenic for Angelman Syndrome. Last evaluated: 2014-02-14. Review status: no assertion criteria provided. Collection method: clinical testing. Allele origin: de novo. Affected: yes. Observed: 1 variant allele. Study: UBE3A Mutation Study.
Comment: Data collected from clinical UBE3A sequence analysis results

Literature cited by the submitters: PubMed 25212744.

NM_130839.5(UBE3A):c.848T>G (p.Leu283Trp)

Genes: SNHG14 (small nucleolar RNA host gene 14; plus strand), UBE3A (ubiquitin protein ligase E3A; minus strand). Cytogenetic location: 15q11.2.
Variant type: single nucleotide variant.
Coding change: c.848T>G on transcript NM_130839.5 (MANE Select); coding-DNA position 848, T replaced by G.
Protein change: p.Leu283Trp; replaces leucine 283 with tryptophan.
Molecular consequence: missense variant. On other transcripts: non-coding transcript variant (1), intron variant (2).
Genome position (GRCh38, 1-based): chr15:25,371,326, A>C on the plus strand (T>G on the coding strand, the complement: UBE3A is on the minus strand). VCF-style: chr15-25371326-A-C. GRCh37 (hg19) VCF-style: chr15-25616473-A-C.
Other names: c.857T>G, p.Leu286Trp (NM_000462.5); c.848T>G, p.Leu283Trp (NM_001354505.1, NM_001354538.2, NM_001354545.2); c.788T>G, p.Leu263Trp (NM_001354506.2, NM_001354507.2, NM_001354508.2 and 17 more transcripts); c.671T>G, p.Leu224Trp (NM_001354546.2); c.301+4139T>G (NM_001354551.2); c.361+4139T>G (NM_001354550.2); short protein forms L263W, L283W, L224W, L286W.
Identifiers: ClinVar variation 136206 (VCV000136206.1), dbSNP rs587780583, ClinGen allele CA333487.